The following is an entry in ClinVar:

ClinVar aggregate classification (germline): Uncertain significance (1 of 4 stars; one submission).

Allele frequency attached by ClinVar (database versions not stated): gnomAD exomes below 0.00001.
gnomAD v4.1: 1 of 1,613,670 alleles (0.000062%); highest among the groups gnomAD compares: Non-Finnish European, 0.000085%; no homozygotes.

Submission:

Ambry Genetics
Classification: Uncertain significance. Last evaluated: 2022-08-30. Review status: criteria provided, single submitter. Criteria: Ambry Variant Classification Scheme 2023. Collection method: clinical testing. Allele origin: germline.
Comment: The p.S1690T variant (also known as c.5068T>A), located in coding exon 4 of the ALPK2 gene, results from a T to A substitution at nucleotide position 5068. The serine at codon 1690 is replaced by threonine, an amino acid with similar properties. This amino acid position is conserved. In addition, this alteration is predicted to be tolerated by in silico analysis. Since supporting evidence is limited at this time, the clinical significance of this alteration remains unclear.

NM_052947.4(ALPK2):c.5068T>A (p.Ser1690Thr)

Genes: ALPK2 (alpha kinase 2; minus strand), LOC130062577 (ATAC-STARR-seq lymphoblastoid active region 13389; plus strand). Cytogenetic location: 18q21.31.
Variant type: single nucleotide variant.
Coding change: c.5068T>A on transcript NM_052947.4 (MANE Select); coding-DNA position 5068, T replaced by A.
Protein change: p.Ser1690Thr; replaces serine 1690 with threonine.
Molecular consequence: missense variant.
Genome position (GRCh38, 1-based): chr18:58,535,119, A>T on the plus strand (T>A on the coding strand, the complement: ALPK2 is on the minus strand). VCF-style: chr18-58535119-A-T. GRCh37 (hg19) VCF-style: chr18-56202351-A-T.
Other names: short protein forms S1690T.
Identifiers: ClinVar variation 1745135 (VCV001745135.2), dbSNP rs2518873549, ClinGen allele CA402558418.